The following is an entry in ClinVar:

NM_006393.3(NEBL):c.2658C>G (p.Ser886Arg)

Gene: NEBL (nebulette; minus strand). Cytogenetic location: 10p12.31.
Variant type: single nucleotide variant.
Coding change: c.2658C>G on transcript NM_006393.3 (MANE Select); coding-DNA position 2658, C replaced by G.
Protein change: p.Ser886Arg; replaces serine 886 with arginine.
Molecular consequence: missense variant. On other transcripts: intron variant (9).
Genome position (GRCh38, 1-based): chr10:20,808,613, G>C on the plus strand (C>G on the coding strand, the complement: NEBL is on the minus strand). VCF-style: chr10-20808613-G-C. GRCh37 (hg19) VCF-style: chr10-21097542-G-C.
Other names: c.421+4156C>G (NM_001377326.1, NM_001377327.1, NM_001377328.1); c.529+4156C>G (NM_213569.2, NM_001173484.2); c.622+1193C>G (NM_001377322.1); c.472+4156C>G (NM_001377324.1); c.463+4156C>G (NM_001377325.1); c.481+4156C>G (NM_001377323.1); short protein forms S886R.
Identifiers: ClinVar variation 2720781 (VCV002720781.3), dbSNP rs1367210165, ClinGen allele CA376092850.

ClinVar aggregate classification (germline): Uncertain significance (1 of 4 stars; one submission).

Conditions:
Primary dilated cardiomyopathy (DCM). Also called: Dilated Cardiomyopathy. Identifiers: Orphanet 217604, MedGen C0007193, MeSH D002311, MONDO:0005021, HP:0001644. Inheritance: Various modes of inheritance.

gnomAD v4.1: 2 of 1,613,354 alleles (0.00012%); highest among the groups gnomAD compares: Non-Finnish European, 0.00017%; no homozygotes.

Submission:

Labcorp Genetics (formerly Invitae), Labcorp
Classification: Uncertain significance for Primary dilated cardiomyopathy. Last evaluated: 2023-04-25. Review status: criteria provided, single submitter. Criteria: Invitae Variant Classification Sherloc (09022015). Collection method: clinical testing. Allele origin: germline.
Comment: An algorithm developed to predict the effect of missense changes on protein structure and function (PolyPhen-2) suggests that this variant is likely to be tolerated. In summary, the available evidence is currently insufficient to determine the role of this variant in disease. Therefore, it has been classified as a Variant of Uncertain Significance. This variant has not been reported in the literature in individuals affected with NEBL-related conditions. This variant is not present in population databases (gnomAD no frequency). This sequence change replaces serine, which is neutral and polar, with arginine, which is basic and polar, at codon 886 of the NEBL protein (p.Ser886Arg).